The following is an entry in ClinVar:

NM_001079872.2(CUL4B):c.1257-9T>C

Gene: CUL4B (cullin 4B; minus strand). Cytogenetic location: Xq24.
Variant type: single nucleotide variant.
Coding change: c.1257-9T>C on transcript NM_001079872.2 (MANE Select); 9 bases into the intron before coding-DNA position 1257, T replaced by C.
Molecular consequence: intron variant.
Genome position (GRCh38, 1-based): chrX:120,543,042, A>G on the plus strand (T>C on the coding strand, the complement: CUL4B is on the minus strand). VCF-style: chrX-120543042-A-G. GRCh37 (hg19) VCF-style: chrX-119676897-A-G.
Other names: c.1311-9T>C (NM_003588.4); c.1272-9T>C (NM_001330624.2); c.723-9T>C (NM_001369145.1).
Identifiers: ClinVar variation 3351523 (VCV003351523.1).

ClinVar aggregate classification (germline): Likely benign (0 of 4 stars; one submission).

Conditions:
CUL4B-related disorder. Also called: CUL4B-related condition.

gnomAD v4.1: 4 of 539,775 alleles (0.00074%); highest among the groups gnomAD compares: Non-Finnish European, 0.001%; no homozygotes.

Submission:

PreventionGenetics, part of Exact Sciences
Classification: Likely benign for CUL4B-related condition. Last evaluated: 2023-02-25. Review status: no assertion criteria provided. Collection method: clinical testing. Allele origin: germline.
Comment: This variant is classified as likely benign based on ACMG/AMP sequence variant interpretation guidelines (Richards et al. 2015 PMID: 25741868, with internal and published modifications).